The following is an entry in ClinVar:

NM_174936.4(PCSK9):c.2003G>T (p.Ser668Ile)

Gene: PCSK9 (proprotein convertase subtilisin/kexin type 9; plus strand). Cytogenetic location: 1p32.3.
Variant type: single nucleotide variant.
Coding change: c.2003G>T on transcript NM_174936.4 (MANE Select); coding-DNA position 2003, G replaced by T.
Protein change: p.Ser668Ile; replaces serine 668 with isoleucine.
Molecular consequence: missense variant.
Genome position (GRCh38, 1-based): chr1:55,063,508, G>T. VCF-style: chr1-55063508-G-T. GRCh37 (hg19) VCF-style: chr1-55529181-G-T.
Other names: c.2126G>T, p.Ser709Ile (NM_001407240.1); c.2045G>T, p.Ser682Ile (NM_001407241.1); c.2006G>T, p.Ser669Ile (NM_001407242.1); c.1946G>T, p.Ser649Ile (NM_001407243.1); c.1829G>T, p.Ser610Ile (NM_001407244.1); c.1811G>T, p.Ser604Ile (NM_001407245.1); c.1628G>T, p.Ser543Ile (NM_001407246.1); c.1502G>T, p.Ser501Ile (NM_001407247.1); short protein forms S668I, S610I, S682I, S604I, S501I, S649I, S709I, S543I.
Identifiers: ClinVar variation 924822 (VCV000924822.12), dbSNP rs1235101437, ClinGen allele CA340480815.

ClinVar aggregate classification (germline): Uncertain significance. Review status: criteria provided, multiple submitters, no conflicts (2 of 4 stars). 5 submissions from 5 submitters: Uncertain significance (5). Last evaluated 2025-11-03.

Conditions:
Cardiovascular phenotype. Identifiers: MedGen CN230736.
Familial hypercholesterolemia. Also called: Familial hypercholesterolemias; Familial hypercholesterolaemia. Identifiers: MedGen C0020445, MONDO:0005439.
Hypercholesterolemia, autosomal dominant, 3 (FHCL3). Also called: Familial hypercholesterolemia 3; Familial Hypercholesterolemia, Autosomal Dominant, 3; PCSK9-Related Familial Hypercholesterolemia, Autosomal Dominant. Identifiers: MedGen C1863551, MONDO:0011369, OMIM 603776.

Allele frequency attached by ClinVar (database versions not stated): gnomAD exomes below 0.00001; TOPMed 0.00001; gnomAD 0.00002.
gnomAD v4.1: 4 of 1,613,830 alleles (0.00025%); highest among the groups gnomAD compares: Non-Finnish European, 0.00034%; no homozygotes.

Submissions (5):

Color Diagnostics, LLC DBA Color Health
Classification: Uncertain significance for Familial hypercholesterolemia. Last evaluated: 2025-11-03. Review status: criteria provided, single submitter. Criteria: ACMG Guidelines, 2015. Collection method: clinical testing. Allele origin: germline.
Comment: This missense variant replaces serine with isoleucine at codon 668 of the PCSK9 protein. Computational prediction tool suggests that this variant may not impact protein structure and function. Splice site prediction tools suggest that this variant may not impact RNA splicing. To our knowledge, functional studies have not been performed for this variant. This variant has not been reported in individuals affected with familial hypercholesterolemia in the literature. This variant has been identified in 3/281732 chromosomes in the general population by the Genome Aggregation Database (gnomAD). The available evidence is insufficient to determine the role of this variant in disease conclusively. Therefore, this variant is classified as a Variant of Uncertain Significance.

Ambry Genetics
Classification: Uncertain significance for Cardiovascular phenotype. Last evaluated: 2025-04-24. Review status: criteria provided, single submitter. Criteria: Ambry Variant Classification Scheme 2023. Collection method: clinical testing. Allele origin: germline.
Comment: The p.S668I variant (also known as c.2003G>T), located in coding exon 12 of the PCSK9 gene, results from a G to T substitution at nucleotide position 2003. The serine at codon 668 is replaced by isoleucine, an amino acid with dissimilar properties. An alternate amino acid substitution at this codon, p.S668R, was reported in an individual from a low LDL-C cohort; however, clinical details were limited (Miyake Y et al. Atherosclerosis, 2008 Jan;196:29-36). This amino acid position is not well conserved on limited sequence alignment. In addition, this alteration is predicted to be tolerated by in silico analysis. Since supporting evidence is limited at this time, the clinical significance of this alteration remains unclear.

All of Us Research Program, National Institutes of Health
Classification: Uncertain significance for Hypercholesterolemia, autosomal dominant, 3. Last evaluated: 2023-06-27. Review status: criteria provided, single submitter. Criteria: ACMG Guidelines, 2015. Collection method: clinical testing. Allele origin: germline. Inheritance: Autosomal dominant inheritance. Observed: 1 variant allele, 1 heterozygote.
Comment: This missense variant replaces serine with isoleucine at codon 668 of the PCSK9 protein. Computational prediction tool suggests that this variant may not impact protein structure and function (internally defined REVEL score threshold <=0.5, PMID: 27666373). Splice site prediction tools suggest that this variant may not impact RNA splicing. To our knowledge, functional studies have not been performed for this variant. This variant has not been reported in individuals affected with familial hypercholesterolemia in the literature. This variant has been identified in 3/281732 chromosomes in the general population by the Genome Aggregation Database (gnomAD). The available evidence is insufficient to determine the role of this variant in disease conclusively. Therefore, this variant is classified as a Variant of Uncertain Significance.

This study involves interpretation of variants in research participants for the purpose of population health screening. Participant phenotype was not available at the time of variant classification. Additional details can be found in publication PMID: 35346344, PMCID: PMC8962531

Women's Health and Genetics/Laboratory Corporation of America, LabCorp
Classification: Uncertain significance. Last evaluated: 2023-03-20. Review status: criteria provided, single submitter. Criteria: LabCorp Variant Classification Summary - May 2015. Collection method: clinical testing. Allele origin: germline.

Quest Diagnostics Nichols Institute San Juan Capistrano
Classification: Uncertain significance. Last evaluated: 2021-06-30. Review status: criteria provided, single submitter. Criteria: Quest Diagnostics criteria. Collection method: clinical testing. Allele origin: unknown.